The following is an entry in ClinVar:

ClinVar aggregate classification (germline): Uncertain significance. Review status: criteria provided, multiple submitters, no conflicts (2 of 4 stars). 2 submissions from 2 submitters: Uncertain significance (2). Last evaluated 2024-08-27.

Conditions:
Inborn genetic diseases. Identifiers: MedGen C0950123, MeSH D030342.

Submissions (2):

Ambry Genetics
Classification: Uncertain significance for Inborn genetic diseases. Last evaluated: 2024-08-27. Review status: criteria provided, single submitter. Criteria: Ambry Variant Classification Scheme 2023. Collection method: clinical testing. Allele origin: germline.

Labcorp Genetics (formerly Invitae), Labcorp
Classification: Uncertain significance. Last evaluated: 2024-07-30. Review status: criteria provided, single submitter. Criteria: Invitae Variant Classification Sherloc (09022015). Collection method: clinical testing. Allele origin: germline.
Comment: This sequence change replaces proline, which is neutral and non-polar, with threonine, which is neutral and polar, at codon 1675 of the TRRAP protein (p.Pro1675Thr). This variant is not present in population databases (gnomAD no frequency). This variant has not been reported in the literature in individuals affected with TRRAP-related conditions. Advanced modeling of protein sequence and biophysical properties (such as structural, functional, and spatial information, amino acid conservation, physicochemical variation, residue mobility, and thermodynamic stability) performed at Invitae indicates that this missense variant is expected to disrupt TRRAP protein function with a positive predictive value of 80%. In summary, the available evidence is currently insufficient to determine the role of this variant in disease. Therefore, it has been classified as a Variant of Uncertain Significance.

NM_001375524.1(TRRAP):c.5098C>A (p.Pro1700Thr)

Genes: TRRAP (transformation/transcription domain associated protein; plus strand), LOC126860121 (MED14-independent group 3 enhancer GRCh37_chr7:98547245-98548444; plus strand). Cytogenetic location: 7q22.1.
Variant type: single nucleotide variant.
Coding change: c.5098C>A on transcript NM_001375524.1 (MANE Select); coding-DNA position 5098, C replaced by A.
Protein change: p.Pro1700Thr; replaces proline 1700 with threonine.
Molecular consequence: missense variant.
Genome position (GRCh38, 1-based): chr7:98,949,804, C>A. VCF-style: chr7-98949804-C-A. GRCh37 (hg19) VCF-style: chr7-98547427-C-A.
Other names: c.5077C>A, p.Pro1693Thr (NM_001244580.2); c.5023C>A, p.Pro1675Thr (NM_003496.4); short protein forms P1700T, P1675T, P1693T.
Identifiers: ClinVar variation 3462380 (VCV003462380.3).
Genomic context (GRCh38, chr7:98,949,804, plus strand): 5'-AGTGAGAACTTCCAAGAGAGGCACCGCAAGGAGAACATGGCAGCCACCAACTGGAAGGAG[C>A]CCAAGCTGCTGGCCTACTGCCTGCTGAACTACTGCAAGTGGGTGCCTCCTCCCGCCCTGC-3'
Protein context (NP_001362453.1, residues 1690-1710): ENMAATNWKE[Pro1700Thr]KLLAYCLLNY